The following is an entry in ClinVar:

NM_000138.5(FBN1):c.2294-14C>T

Gene: FBN1 (fibrillin 1; minus strand). Cytogenetic location: 15q21.1.
Variant type: single nucleotide variant.
Coding change: c.2294-14C>T on transcript NM_000138.5 (MANE Select); 14 bases into the intron before coding-DNA position 2294, C replaced by T.
Molecular consequence: intron variant.
Genome position (GRCh38, 1-based): chr15:48,496,239, G>A on the plus strand (C>T on the coding strand, the complement: FBN1 is on the minus strand). VCF-style: chr15-48496239-G-A. GRCh37 (hg19) VCF-style: chr15-48788436-G-A.
Identifiers: ClinVar variation 682166 (VCV000682166.1), dbSNP rs201446948, ClinGen allele CA915946591.

ClinVar aggregate classification (germline): Likely benign (1 of 4 stars; one submission).

Submission:

GeneDx
Classification: Likely benign. Last evaluated: 2018-04-24. Review status: criteria provided, single submitter. Criteria: GeneDx Variant Classification (06012015). Collection method: clinical testing. Allele origin: germline. Affected: yes.
Comment: This variant is considered likely benign or benign based on one or more of the following criteria: it is a conservative change, it occurs at a poorly conserved position in the protein, it is predicted to be benign by multiple in silico algorithms, and/or has population frequency not consistent with disease.